The following is an entry in ClinVar:

NM_001379286.1(ZNF423):c.608A>G (p.His203Arg)

Gene: ZNF423 (zinc finger protein 423; minus strand). Cytogenetic location: 16q12.1.
Variant type: single nucleotide variant.
Coding change: c.608A>G on transcript NM_001379286.1 (MANE Select); coding-DNA position 608, A replaced by G.
Protein change: p.His203Arg; replaces histidine 203 with arginine.
Molecular consequence: missense variant.
Genome position (GRCh38, 1-based): chr16:49,638,568, T>C on the plus strand (A>G on the coding strand, the complement: ZNF423 is on the minus strand). VCF-style: chr16-49638568-T-C. GRCh37 (hg19) VCF-style: chr16-49672479-T-C.
Other names: c.404A>G, p.His135Arg (NM_001271620.2); c.233A>G, p.His78Arg (NM_001330533.2); c.584A>G, p.His195Arg (NM_015069.5); short protein forms H135R, H195R, H203R, H78R.
Identifiers: ClinVar variation 3898683 (VCV003898683.7).

ClinVar aggregate classification (germline): Uncertain significance (1 of 4 stars; one submission).

gnomAD v4.1: 1 of 1,613,800 alleles (0.000062%); highest among the groups gnomAD compares: African/African-American, 0.0013%; no homozygotes.

Submission:

CeGaT Center for Human Genetics Tuebingen
Classification: Uncertain significance. Last evaluated: 2025-04-01. Review status: criteria provided, single submitter. Criteria: CeGaT Center For Human Genetics Tuebingen Variant Classification Criteria Version 2. Collection method: clinical testing. Allele origin: germline. Affected: yes. Observed: 1 variant allele.
Comment: ZNF423: PM2